The following is an entry in ClinVar:

NM_006648.4(WNK2):c.1643C>T (p.Pro548Leu)

Gene: WNK2 (WNK lysine deficient protein kinase 2; plus strand). Cytogenetic location: 9q22.31.
Variant type: single nucleotide variant.
Coding change: c.1643C>T on transcript NM_006648.4 (MANE Select); coding-DNA position 1643, C replaced by T.
Protein change: p.Pro548Leu; replaces proline 548 with leucine.
Molecular consequence: missense variant.
Genome position (GRCh38, 1-based): chr9:93,247,643, C>T. VCF-style: chr9-93247643-C-T. GRCh37 (hg19) VCF-style: chr9-96009925-C-T.
Other names: c.1643C>T, p.Pro548Leu (NM_001282394.3); short protein forms P548L.
Identifiers: ClinVar variation 3470653 (VCV003470653.1).
Genomic context (GRCh38, chr9:93,247,643, plus strand): 5'-TGGCCAAGTCCATCCGTGACCGCGTGGCCTTGATCCAGTGGCGGCGGGAGAGGATCTGGC[C>T]CGCGCTGCAGCCCAAGGAGCAGCAGGATGTGGGCAGCCCGGACAAGGCCAGGGGTCCGCC-3'
Protein context (NP_006639.3, residues 538-558): LIQWRRERIW[Pro548Leu]ALQPKEQQDV

ClinVar aggregate classification (germline): Uncertain significance (1 of 4 stars; one submission).

Submission:

Ambry Genetics
Classification: Uncertain significance. Last evaluated: 2024-12-08. Review status: criteria provided, single submitter. Criteria: Ambry Variant Classification Scheme 2023. Collection method: clinical testing. Allele origin: germline.
Comment: The p.P548L variant (also known as c.1643C>T), located in coding exon 7 of the WNK2 gene, results from a C to T substitution at nucleotide position 1643. The proline at codon 548 is replaced by leucine, an amino acid with similar properties. This amino acid position is conserved. In addition, this alteration is predicted to be tolerated by in silico analysis. Based on the available evidence, the clinical significance of this variant remains unclear.